The following is an entry in ClinVar:

ClinVar aggregate classification (germline): Conflicting classifications of pathogenicity. Review status: criteria provided, conflicting classifications (1 of 4 stars). 6 submissions from 6 submitters: Pathogenic (1); Likely pathogenic (3); Uncertain significance (2). Last evaluated 2025-07-21.

Conditions:
COL4A1-related disorder. Also called: COL4A1-related condition; COL4A1-related disorders. Identifiers: MedGen CN376119, MONDO:0800461.
Brain small vessel disease 1 with or without ocular anomalies (BSVD1). Also called: GOULD SYNDROME 1; BRAIN SMALL VESSEL DISEASE WITH HEMORRHAGE; Brain small vessel disease with or without ocular anomalies; PORENCEPHALY, TYPE 1, AUTOSOMAL DOMINANT. Identifiers: Orphanet 2940, Orphanet 36383, Orphanet 99810, MedGen C4755307, MONDO:0008289, OMIM 175780.
Inborn genetic diseases. Identifiers: MedGen C0950123, MeSH D030342.

Allele frequency attached by ClinVar (database versions not stated): gnomAD exomes below 0.00001.
gnomAD v4.1: 1 of 1,613,980 alleles (0.000062%); highest among the groups gnomAD compares: Non-Finnish European, 0.000085%; no homozygotes.

Submissions (6):

PreventionGenetics, part of Exact Sciences
Classification: Uncertain significance for COL4A1-related condition. Last evaluated: 2025-07-21. Review status: criteria provided, single submitter. Criteria: ACMG Guidelines, 2015. Collection method: clinical testing. Allele origin: germline.
Comment: The COL4A1 c.4981C>T variant is predicted to result in the amino acid substitution p.Arg1661Cys. This variant is found in the terminal exon of COL4A1, eight amino acids upstream of the stop codon. This variant was reported in a fetus from an intracranial hemorrhage cohort; however, detailed clinical information or functional analysis was not provided (Figure 2 in Coste et al. 2022. PubMed ID: 35150448). This variant has not been reported in a large population database (gnomAD), indicating this variant is rare. In ClinVar, this variant has conflicting classifications ranging from likely pathogenic to uncertain (ID: 521435). The terminal exon of COL4A1 is part of the non-collagenous (NC1) domain (amino acids 1445-1669, UniProt) which forms a globular structure held together by cysteine-mediated disulfide bonds (Siebold et al. 1988. PubMed ID: 2844531). This domain has been shown to mediate the assembly of collagen IV scaffolds (Brown et al. 2019. PubMed ID: 28845540); however, the majority of missense variants in this region have been classified as uncertain (ClinVar). Although we suspect that this variant may be pathogenic, at this time, the clinical significance of this variant is uncertain due to the absence of conclusive functional and genetic evidence.

Victorian Clinical Genetics Services, Murdoch Childrens Research Institute
Classification: Pathogenic for COL4A1-related disorder. Last evaluated: 2025-04-01. Review status: criteria provided, single submitter. Criteria: ACMG Guidelines, 2015. Collection method: clinical testing. Allele origin: germline. Affected: yes.
Comment: This variant is classified as Pathogenic. Evidence in support of pathogenic classification: Variant is present in gnomAD <0.001 for a dominant condition (v4: 1 heterozygote(s), 0 homozygote(s)); This variant has moderate previous evidence of pathogenicity in unrelated individuals. This variant has been classified as pathogenic/likely pathogenic by multiple clinical laboratories (ClinVar, Shariant), including one de novo occurrence. This variant has been reported in the literature in an individual with COL4A1-related disease (PMID: 35150448). One clinical laboratory has classified this variant as a VUS in ClinVar; however, this is an older entry; Missense variant predicted to be damaging by in silico tool(s) or highly conserved with a major amino acid change; Additional information: Variant is predicted to result in a missense amino acid change from arginine to cysteine; This variant is heterozygous; This gene is associated with autosomal dominant disease; Alternative amino acid change(s) at the same position are present in gnomAD (Highest allele count: v4: 13 heterozygote(s), 0 homozygote(s)); No published functional evidence has been identified for this variant; Another missense variant(s) comparable to the one identified in this case has inconclusive previous evidence for pathogenicity. The p.(Arg1661His) variant has been classified as a VUS by a clinical laboratory in ClinVar; Variant is located in the annotated C4 domain (DECIPHER); Loss of function is a known mechanism of disease in this gene and is associated with COL4A1-related disorder (MONDO:0800461). Glycine substitutions affecting the Gly-X-Y repeat motif are known to have a dominant-negative mechanism of disease in other collagen genes, but conclusive functional evidence of a dominant-negative mechanism in this gene is not available (PMID: 16159887, 1867713, 23225343); The condition associated with this gene has incomplete penetrance (PMIDs: 21625620, 30413629).

Ambry Genetics
Classification: Likely pathogenic for Inborn genetic diseases. Last evaluated: 2024-07-25. Review status: criteria provided, single submitter. Criteria: Ambry Variant Classification Scheme 2023. Collection method: clinical testing. Allele origin: germline.
Comment: The c.4981C>T (p.R1661C) alteration is located in exon 52 (coding exon 52) of the COL4A1 gene. This alteration results from a C to T substitution at nucleotide position 4981, causing the arginine (R) at amino acid position 1661 to be replaced by a cysteine (C). This variant was not reported in population-based cohorts in the Genome Aggregation Database (gnomAD). This variant has been reported in one individual in an fetal intracranial hemorrhage cohort but clinical details were limited (Coste, 2022). This amino acid position is highly conserved in available vertebrate species. This alteration is predicted to be deleterious by in silico analysis. Based on the available evidence, this alteration is classified as likely pathogenic.

Blueprint Genetics
Classification: Likely pathogenic for COL4A1-related disorders. Last evaluated: 2024-03-08. Review status: criteria provided, single submitter. Criteria: ACMG Guidelines, 2015. Collection method: clinical testing. Allele origin: germline. Affected: yes. Observed: 2 variant alleles.

Labcorp Genetics (formerly Invitae), Labcorp
Classification: Uncertain significance. Last evaluated: 2022-09-22. Review status: criteria provided, single submitter. Criteria: Invitae Variant Classification Sherloc (09022015). Collection method: clinical testing. Allele origin: germline.
Comment: This variant has not been reported in the literature in individuals affected with COL4A1-related conditions. This variant is not present in population databases (gnomAD no frequency). ClinVar contains an entry for this variant (Variation ID: 521435). Algorithms developed to predict the effect of missense changes on protein structure and function are either unavailable or do not agree on the potential impact of this missense change (SIFT: "Deleterious"; PolyPhen-2: "Not Available"; Align-GVGD: "Class C0"). In summary, the available evidence is currently insufficient to determine the role of this variant in disease. Therefore, it has been classified as a Variant of Uncertain Significance. This sequence change replaces arginine, which is basic and polar, with cysteine, which is neutral and slightly polar, at codon 1661 of the COL4A1 protein (p.Arg1661Cys).

Institute of Human Genetics, University of Leipzig Medical Center
Classification: Likely pathogenic for Brain small vessel disease 1 with or without ocular anomalies. Last evaluated: 2022-05-04. Review status: criteria provided, single submitter. Criteria: ACMG Guidelines, 2015. Collection method: clinical testing. Allele origin: de novo. Affected: yes.
Comment: This variant was identified as de novo (maternity and paternity confirmed)._x000D_ Criteria applied: PS2_MOD, PS4_SUP, PM2_SUP, PP2, PP3

Literature cited by the submitters: PubMed 35150448 (cited by Victorian Clinical Genetics Services, Murdoch Childrens Research Institute and Ambry Genetics); PubMed 23225343 (cited by Victorian Clinical Genetics Services, Murdoch Childrens Research Institute); PubMed 30413629 (cited by Victorian Clinical Genetics Services, Murdoch Childrens Research Institute); PubMed 1867713 (cited by Victorian Clinical Genetics Services, Murdoch Childrens Research Institute); PubMed 16159887 (cited by Victorian Clinical Genetics Services, Murdoch Childrens Research Institute); PubMed 21625620 (cited by Victorian Clinical Genetics Services, Murdoch Childrens Research Institute); PubMed 2211826 (cited by Ambry Genetics); PubMed 10713126 (cited by Ambry Genetics); PubMed 10896941 (cited by Ambry Genetics); PubMed 12011424 (cited by Ambry Genetics).

NM_001845.6(COL4A1):c.4981C>T (p.Arg1661Cys)

Gene: COL4A1 (collagen type IV alpha 1 chain; minus strand). Cytogenetic location: 13q34.
Variant type: single nucleotide variant.
Coding change: c.4981C>T on transcript NM_001845.6 (MANE Select); coding-DNA position 4981, C replaced by T.
Protein change: p.Arg1661Cys; replaces arginine 1661 with cysteine.
Molecular consequence: missense variant.
Genome position (GRCh38, 1-based): chr13:110,150,392, G>A on the plus strand (C>T on the coding strand, the complement: COL4A1 is on the minus strand). VCF-style: chr13-110150392-G-A. GRCh37 (hg19) VCF-style: chr13-110802739-G-A.
Other names: c.4981C>T (NM_001845.5); short protein forms R1661C.
Identifiers: ClinVar variation 521435 (VCV000521435.14), dbSNP rs1555300086, ClinGen allele CA388653526.